The following is an entry in ClinVar:

NM_006182.4(DDR2):c.2170A>G (p.Ile724Val)

Gene: DDR2 (discoidin domain receptor tyrosine kinase 2; plus strand). Cytogenetic location: 1q23.3.
Variant type: single nucleotide variant.
Coding change: c.2170A>G on transcript NM_006182.4 (MANE Select); coding-DNA position 2170, A replaced by G.
Protein change: p.Ile724Val; replaces isoleucine 724 with valine.
Molecular consequence: missense variant.
Genome position (GRCh38, 1-based): chr1:162,776,257, A>G. VCF-style: chr1-162776257-A-G. GRCh37 (hg19) VCF-style: chr1-162746047-A-G.
Other names: c.2170A>G, p.Ile724Val (NM_001014796.3, NM_001354982.2, NM_001354983.2); short protein forms I724V.
Identifiers: ClinVar variation 3611070 (VCV003611070.2).

ClinVar aggregate classification (germline): Uncertain significance (1 of 4 stars; one submission).

gnomAD v4.1: 24 of 1,613,972 alleles (0.0015%); highest among the groups gnomAD compares: Non-Finnish European, 0.002%; no homozygotes.

Submission:

Labcorp Genetics (formerly Invitae), Labcorp
Classification: Uncertain significance. Last evaluated: 2024-07-08. Review status: criteria provided, single submitter. Criteria: Invitae Variant Classification Sherloc (09022015). Collection method: clinical testing. Allele origin: germline.
Comment: This sequence change replaces isoleucine, which is neutral and non-polar, with valine, which is neutral and non-polar, at codon 724 of the DDR2 protein (p.Ile724Val). This variant is present in population databases (rs771560387, gnomAD 0.0009%). This variant has not been reported in the literature in individuals affected with DDR2-related conditions. An algorithm developed to predict the effect of missense changes on protein structure and function (PolyPhen-2) suggests that this variant is likely to be disruptive. In summary, the available evidence is currently insufficient to determine the role of this variant in disease. Therefore, it has been classified as a Variant of Uncertain Significance.